The following is an entry in ClinVar:

NM_001195553.2(DCX):c.536C>G (p.Pro179Arg)

Gene: DCX (doublecortin; minus strand). Cytogenetic location: Xq23.
Variant type: single nucleotide variant.
Coding change: c.536C>G on transcript NM_001195553.2 (MANE Select); coding-DNA position 536, C replaced by G.
Protein change: p.Pro179Arg; replaces proline 179 with arginine.
Molecular consequence: missense variant.
Genome position (GRCh38, 1-based): chrX:111,401,159, G>C on the plus strand (C>G on the coding strand, the complement: DCX is on the minus strand). VCF-style: chrX-111401159-G-C. GRCh37 (hg19) VCF-style: chrX-110644387-G-C.
Other names: c.779C>G, p.Pro260Arg (NM_000555.3); c.536C>G, p.Pro179Arg (NM_001369370.1, NM_001369371.1, NM_001369372.1 and 6 more transcripts); short protein forms P179R, P260R.
Identifiers: ClinVar variation 3769854 (VCV003769854.2).

ClinVar aggregate classification (germline): Pathogenic/Likely pathogenic. Review status: criteria provided, multiple submitters, no conflicts (2 of 4 stars). 2 submissions from 2 submitters: Pathogenic (1); Likely pathogenic (1). Last evaluated 2025-04-08.

Conditions:
Lissencephaly type 1 due to doublecortin gene mutation. Also called: LISSENCEPHALY, X-LINKED, 1; LISSENCEPHALY AND AGENESIS OF CORPUS CALLOSUM. Identifiers: Orphanet 2148, MedGen C4551968, MONDO:0010239, OMIM 300067.

Submissions (2):

Cytogenetics and Molecular Genetics Section, Pathology Unit, BARC Hospital, Bhabha Atomic Research Centre
Classification: Pathogenic for Lissencephaly type 1 due to doublecortin gene mutation. Last evaluated: 2025-04-08. Review status: criteria provided, single submitter. Criteria: ACMG Guidelines, 2015. Collection method: clinical testing. Allele origin: de novo. Inheritance: Autosomal dominant inheritance. Affected: yes. Observed: 1 heterozygote.

GeneDx
Classification: Likely pathogenic. Last evaluated: 2024-09-16. Review status: criteria provided, single submitter. Criteria: GeneDx Variant Classification Process June 2021. Collection method: clinical testing. Allele origin: germline. Affected: yes.
Comment: Not observed at significant frequency in large population cohorts (gnomAD); In silico analysis supports that this missense variant has a deleterious effect on protein structure/function; Has not been previously published as pathogenic or benign to our knowledge; This variant is associated with the following publications: (PMID: 23365099)